The following is an entry in ClinVar:

NM_006517.5(SLC16A2):c.1234G>C (p.Gly412Arg)

Gene: SLC16A2 (solute carrier family 16 member 2; plus strand). Cytogenetic location: Xq13.2.
Variant type: single nucleotide variant.
Coding change: c.1234G>C on transcript NM_006517.5 (MANE Select); coding-DNA position 1234, G replaced by C.
Protein change: p.Gly412Arg; replaces glycine 412 with arginine.
Molecular consequence: missense variant.
Genome position (GRCh38, 1-based): chrX:74,529,276, G>C. VCF-style: chrX-74529276-G-C. GRCh37 (hg19) VCF-style: chrX-73749111-G-C.
Other names: c.1456G>C (NM_006517.3); short protein forms G412R.
Identifiers: ClinVar variation 2973953 (VCV002973953.4), dbSNP rs1602143358, ClinGen allele CA413658294.
Genomic context (GRCh38, chrX:74,529,276, plus strand): 5'-CTTTCCTTCCTGCTCCTGGGCCTGATGTCCATGATGATTCCCCTGTGCCGGGACTTCGGG[G>C]GCCTTATCGTCGTCTGTCTTTTCCTGGGCCTTTGCGATGGCTTCTTCATCACCATCATGG-3'
Protein context (NP_006508.2, residues 402-422): MMIPLCRDFG[Gly412Arg]LIVVCLFLGL

ClinVar aggregate classification (germline): Uncertain significance. Review status: criteria provided, multiple submitters, no conflicts (2 of 4 stars). 2 submissions from 2 submitters: Uncertain significance (2). Last evaluated 2025-11-24.

Conditions:
Spastic paraplegia. Identifiers: MedGen C0037772, HP:0001258.
Inborn genetic diseases. Identifiers: MedGen C0950123, MeSH D030342.

Submissions (2):

Ambry Genetics
Classification: Uncertain significance for Inborn genetic diseases. Last evaluated: 2025-11-24. Review status: criteria provided, single submitter. Criteria: Ambry Variant Classification Scheme 2023. Collection method: clinical testing. Allele origin: germline.

Labcorp Genetics (formerly Invitae), Labcorp
Classification: Uncertain significance for Spastic paraplegia. Last evaluated: 2023-08-02. Review status: criteria provided, single submitter. Criteria: Invitae Variant Classification Sherloc (09022015). Collection method: clinical testing. Allele origin: germline.
Comment: Advanced modeling of protein sequence and biophysical properties (such as structural, functional, and spatial information, amino acid conservation, physicochemical variation, residue mobility, and thermodynamic stability) has been performed at Invitae for this missense variant, however the output from this modeling did not meet the statistical confidence thresholds required to predict the impact of this variant on SLC16A2 protein function. This variant has not been reported in the literature in individuals affected with SLC16A2-related conditions. This variant is not present in population databases (gnomAD no frequency). This sequence change replaces glycine, which is neutral and non-polar, with arginine, which is basic and polar, at codon 412 of the SLC16A2 protein (p.Gly412Arg). In summary, the available evidence is currently insufficient to determine the role of this variant in disease. Therefore, it has been classified as a Variant of Uncertain Significance.